The following is an entry in ClinVar:

ClinVar aggregate classification (germline): Uncertain significance (1 of 4 stars; one submission).

Allele frequency attached by ClinVar (database versions not stated): TOPMed below 0.00001.
gnomAD v4.1: 2 of 1,612,508 alleles (0.00012%); highest among the groups gnomAD compares: Non-Finnish European, 0.00017%; no homozygotes.

Submission:

ARUP Laboratories, Molecular Genetics and Genomics, ARUP Laboratories
Classification: Uncertain significance. Last evaluated: 2022-09-16. Review status: criteria provided, single submitter. Criteria: ARUP Molecular Germline Variant Investigation Process 2021. Collection method: clinical testing. Allele origin: germline.
Comment: The COL1A1 c.2361C>A; p.Ser787Arg variant (rs781457915), to our knowledge, is not reported in the medical literature or gene specific databases. This variant is observed on one allele in the Genome Aggregation Database. The serine at codon 787 is moderately conserved, but computational analyses are uncertain whether this variant is neutral or deleterious (REVEL: 0.566). However, due to limited information the clinical significance of the p.Ser787Arg variant is uncertain at this time.

NM_000088.4(COL1A1):c.2361C>A (p.Ser787Arg)

Gene: COL1A1 (collagen type I alpha 1 chain; minus strand). Cytogenetic location: 17q21.33.
Variant type: single nucleotide variant.
Coding change: c.2361C>A on transcript NM_000088.4 (MANE Select); coding-DNA position 2361, C replaced by A.
Protein change: p.Ser787Arg; replaces serine 787 with arginine.
Molecular consequence: missense variant.
Genome position (GRCh38, 1-based): chr17:50,190,579, G>T on the plus strand (C>A on the coding strand, the complement: COL1A1 is on the minus strand). VCF-style: chr17-50190579-G-T. GRCh37 (hg19) VCF-style: chr17-48267940-G-T.
Other names: short protein forms S787R.
Identifiers: ClinVar variation 2428541 (VCV002428541.3), dbSNP rs781457915, ClinGen allele CA8644846.